The following is an entry in ClinVar:

NM_005475.3(SH2B3):c.1163T>A (p.Val388Glu)

Gene: SH2B3 (SH2B adaptor protein 3; plus strand). Cytogenetic location: 12q24.12.
Variant type: single nucleotide variant.
Coding change: c.1163T>A on transcript NM_005475.3 (MANE Select); coding-DNA position 1163, T replaced by A.
Protein change: p.Val388Glu; replaces valine 388 with glutamic acid.
Molecular consequence: missense variant.
Genome position (GRCh38, 1-based): chr12:111,447,471, T>A. VCF-style: chr12-111447471-T-A. GRCh37 (hg19) VCF-style: chr12-111885275-T-A.
Other names: c.557T>A, p.Val186Glu (NM_001291424.1); short protein forms V186E, V388E.
Identifiers: ClinVar variation 3795236 (VCV003795236.1).

ClinVar aggregate classification (germline): Uncertain significance (1 of 4 stars; one submission).

Conditions:
Inborn genetic diseases. Identifiers: MedGen C0950123, MeSH D030342.

Submission:

Ambry Genetics
Classification: Uncertain significance for Inborn genetic diseases. Last evaluated: 2025-03-05. Review status: criteria provided, single submitter. Criteria: Ambry Variant Classification Scheme 2023. Collection method: clinical testing. Allele origin: germline.
Comment: The p.V388E variant (also known as c.1163T>A), located in coding exon 5 of the SH2B3 gene, results from a T to A substitution at nucleotide position 1163. The valine at codon 388 is replaced by glutamic acid, an amino acid with dissimilar properties. This amino acid position is conserved. In addition, this alteration is predicted to be deleterious by in silico analysis. Based on the available evidence, the clinical significance of this variant remains unclear.